The following is an entry in ClinVar:

ClinVar aggregate classification (germline): Uncertain significance. Review status: criteria provided, multiple submitters, no conflicts (2 of 4 stars). 2 submissions from 2 submitters: Uncertain significance (2). Last evaluated 2025-11-10.

Conditions:
Congenital muscular dystrophy due to integrin alpha-7 deficiency. Also called: MYOPATHY, CONGENITAL, DUE TO INTEGRIN ALPHA-7 DEFICIENCY; Congenital muscular dystrophy with integrin alpha-7 deficiency; Muscular dystrophy, congenital, due to ITGA7 deficiency. Identifiers: Orphanet 34520, MedGen C2750786, MONDO:0013177, OMIM 613204.

Allele frequency attached by ClinVar (database versions not stated): TOPMed 0.00003.

Submissions (2):

Labcorp Genetics (formerly Invitae), Labcorp
Classification: Uncertain significance for Congenital muscular dystrophy due to integrin alpha-7 deficiency. Last evaluated: 2025-11-10. Review status: criteria provided, single submitter. Criteria: Invitae Variant Classification Sherloc (09022015). Collection method: clinical testing. Allele origin: germline.
Comment: This sequence change replaces arginine, which is basic and polar, with tryptophan, which is neutral and slightly polar, at codon 157 of the ITGA7 protein (p.Arg157Trp). This variant is present in population databases (rs768285629, gnomAD 0.1%). This variant has not been reported in the literature in individuals affected with ITGA7-related conditions. ClinVar contains an entry for this variant (Variation ID: 1022520). Invitae Evidence Modeling of protein sequence and biophysical properties (such as structural, functional, and spatial information, amino acid conservation, physicochemical variation, residue mobility, and thermodynamic stability) indicates that this missense variant is not expected to disrupt ITGA7 protein function with a negative predictive value of 80%. In summary, the available evidence is currently insufficient to determine the role of this variant in disease. Therefore, it has been classified as a Variant of Uncertain Significance.

Ambry Genetics
Classification: Uncertain significance. Last evaluated: 2023-03-22. Review status: criteria provided, single submitter. Criteria: Ambry Variant Classification Scheme 2023. Collection method: clinical testing. Allele origin: germline.

NM_002206.3(ITGA7):c.469C>T (p.Arg157Trp)

Gene: ITGA7 (integrin subunit alpha 7; minus strand). Cytogenetic location: 12q13.2.
Variant type: single nucleotide variant.
Coding change: c.469C>T on transcript NM_002206.3 (MANE Select); coding-DNA position 469, C replaced by T.
Protein change: p.Arg157Trp; replaces arginine 157 with tryptophan.
Molecular consequence: missense variant. On other transcripts: 5 prime UTR variant (1).
Genome position (GRCh38, 1-based): chr12:55,701,100, G>A on the plus strand (C>T on the coding strand, the complement: ITGA7 is on the minus strand). VCF-style: chr12-55701100-G-A. GRCh37 (hg19) VCF-style: chr12-56094884-G-A.
Other names: c.469C>T (NM_002206.2); c.469C>T, p.Arg157Trp (NM_001144996.2, NM_001374465.1, NM_001410977.1 and 5 more transcripts); c.178C>T, p.Arg60Trp (NM_001144997.2); c.130C>T, p.Arg44Trp (NM_001367993.1, NM_001414035.1); c.-704C>T (NM_001367994.1); short protein forms R157W, R44W, R60W.
Identifiers: ClinVar variation 1022520 (VCV001022520.7), dbSNP rs768285629, ClinGen allele CA6616299.